The following is an entry in ClinVar:

ClinVar aggregate classification (germline): Uncertain significance. Review status: criteria provided, multiple submitters, no conflicts (2 of 4 stars). 3 submissions from 3 submitters: Uncertain significance (3). Last evaluated 2025-09-19.

Conditions:
LZTR1-related schwannomatosis. Also called: Schwannomatosis 2; Schwannomatosis-2, susceptibility to. Identifiers: Orphanet 93921, MedGen C3810283, MONDO:0014299, OMIM 615670.
Cardiovascular phenotype. Identifiers: MedGen CN230736.
Hereditary cancer-predisposing syndrome. Also called: Hereditary Cancer Syndrome; Hereditary neoplastic syndrome; Neoplastic Syndromes, Hereditary; Tumor predisposition. Identifiers: Orphanet 140162, MedGen C0027672, MeSH D009386, MONDO:0015356.

gnomAD v4.1: 1 of 1,612,416 alleles (0.000062%); highest among the groups gnomAD compares: Non-Finnish European, 0.000085%; no homozygotes.

Submissions (3):

Labcorp Genetics (formerly Invitae), Labcorp
Classification: Uncertain significance. Last evaluated: 2025-09-19. Review status: criteria provided, single submitter. Criteria: Invitae Variant Classification Sherloc (09022015). Collection method: clinical testing. Allele origin: germline.
Comment: This sequence change replaces glycine, which is neutral and non-polar, with valine, which is neutral and non-polar, at codon 458 of the LZTR1 protein (p.Gly458Val). This variant is not present in population databases (gnomAD no frequency). This variant has not been reported in the literature in individuals affected with LZTR1-related conditions. ClinVar contains an entry for this variant (Variation ID: 1771100). Invitae Evidence Modeling of protein sequence and biophysical properties (such as structural, functional, and spatial information, amino acid conservation, physicochemical variation, residue mobility, and thermodynamic stability) indicates that this missense variant is not expected to disrupt LZTR1 protein function with a negative predictive value of 80%. In summary, the available evidence is currently insufficient to determine the role of this variant in disease. Therefore, it has been classified as a Variant of Uncertain Significance.

Baylor Genetics
Classification: Uncertain significance for LZTR1-related schwannomatosis. Last evaluated: 2024-02-14. Review status: criteria provided, single submitter. Criteria: ACMG Guidelines, 2015. Collection method: clinical testing. Allele origin: unknown.

Ambry Genetics
Classification: Uncertain significance for Cardiovascular phenotype; Hereditary cancer-predisposing syndrome. Last evaluated: 2022-02-13. Review status: criteria provided, single submitter. Criteria: Ambry General Variant Classification Scheme_2022. Collection method: clinical testing. Allele origin: germline. Observed: 1 variant allele.
Comment: The p.G458V variant (also known as c.1373G>T), located in coding exon 13 of the LZTR1 gene, results from a G to T substitution at nucleotide position 1373. The glycine at codon 458 is replaced by valine, an amino acid with dissimilar properties. This amino acid position is conserved. In addition, the in silico prediction for this alteration is inconclusive. Since supporting evidence is limited at this time, the clinical significance of this alteration remains unclear.

NM_006767.4(LZTR1):c.1373G>T (p.Gly458Val)

Gene: LZTR1 (leucine zipper like post translational regulator 1; plus strand). Cytogenetic location: 22q11.21.
Variant type: single nucleotide variant.
Coding change: c.1373G>T on transcript NM_006767.4 (MANE Select); coding-DNA position 1373, G replaced by T.
Protein change: p.Gly458Val; replaces glycine 458 with valine.
Molecular consequence: missense variant.
Genome position (GRCh38, 1-based): chr22:20,993,943, G>T. VCF-style: chr22-20993943-G-T. GRCh37 (hg19) VCF-style: chr22-21348232-G-T.
Other names: short protein forms G458V.
Identifiers: ClinVar variation 1771100 (VCV001771100.5), dbSNP rs1303528589, ClinGen allele CA410775059.